The following is an entry in ClinVar:

ClinVar aggregate classification (germline): Pathogenic (1 of 4 stars; one submission).

Conditions:
Fetal akinesia deformation sequence 1 (FADS1). Also called: Pena-Shokeir syndrome type I; Fetal akinesia sequence. Identifiers: Orphanet 994, MedGen C1276035, MONDO:0100101, OMIM 208150, HP:0001989.
Congenital myasthenic syndrome 10. Also called: Myasthenia, limb-girdle, familial. Identifiers: Orphanet 590, MedGen C1850792, MONDO:0009690, OMIM 254300.

Submission:

Labcorp Genetics (formerly Invitae), Labcorp
Classification: Pathogenic for Congenital myasthenic syndrome 10; Fetal akinesia deformation sequence 1. Last evaluated: 2022-12-01. Review status: criteria provided, single submitter. Criteria: Invitae Variant Classification Sherloc (09022015). Collection method: clinical testing. Allele origin: unknown.
Comment: This variant has not been reported in the literature in individuals affected with DOK7-related conditions. This variant is a gross deletion of the genomic region encompassing exon(s) 4 of the DOK7 gene. This variant would be expected to be in-frame, preserving the integrity of the reading frame. This variant disrupts a region of the DOK7 protein in which other variant(s) (p.Arg158) have been determined to be pathogenic (PMID: 17452375, 18165682, 29118959). This suggests that this is a clinically significant region of the protein, and that variants that disrupt it are likely to be disease-causing. For these reasons, this variant has been classified as Pathogenic.

Literature cited by the submitters: PubMed 17452375; PubMed 18165682; PubMed 29118959.

NC_000004.11:g.(?_3478049)_(3478289_?)del

Gene: DOK7 (docking protein 7; plus strand). Cytogenetic location: 4p16.3.
Variant type: Deletion.
Identifiers: ClinVar variation 3246664 (VCV003246664.1).